The following is an entry in ClinVar:

ClinVar aggregate classification (germline): Uncertain significance. Review status: criteria provided, multiple submitters, no conflicts (2 of 4 stars). 5 submissions from 5 submitters: Uncertain significance (5). Last evaluated 2026-09-15.

Conditions:
Familial infantile myoclonic epilepsy (FIME). Also called: TBC1D24-Related Familial Infantile Myoclonic Epilepsy (FIME); Epilepsy, Myoclonic, Infantile. Identifiers: Orphanet 352582, MedGen C0917800, MONDO:0011506, OMIM 605021.
Developmental and epileptic encephalopathy, 1 (DEE1). Also called: Epileptic encephalopathy, early infantile, 1; X-linked infantile spasms; West's syndrome; Tonic spasms with clustering, arrest of psychomotor development and hypsarrhythmia on EEG; X-Linked Infantile Spasm Syndrome; OHTAHARA SYNDROME, X-LINKED. Identifiers: MedGen C3463992, MONDO:0010632, OMIM 308350. Disease mechanism: loss of function.
Autosomal dominant nonsyndromic hearing loss 65. Also called: Deafness, autosomal dominant 65; TBC1D24-Related Autosomal Dominant Nonsyndromic Hearing Loss (DFNA). Identifiers: Orphanet 90635, MedGen C3892048, MONDO:0014470, OMIM 616044.
TBC1D24-related disorder. Also called: TBC1D24-related disorders; TBC1D24-related condition. Identifiers: MedGen CN381194.

Allele frequency attached by ClinVar (database versions not stated): ExAC 0.00002; gnomAD exomes 0.00002 and 0.00006; gnomAD 0.00005; TOPMed 0.00006.
gnomAD v4.1: 100 of 1,613,924 alleles (0.0062%); highest among the groups gnomAD compares: Non-Finnish European, 0.0079%; no homozygotes.

Submissions (5):

GeneDx
Classification: Uncertain significance. Last evaluated: 2026-09-15. Review status: criteria provided, single submitter. Criteria: GeneDx Variant Classification Process June 2021. Collection method: clinical testing. Allele origin: germline.
Comment: Not observed at significant frequency in large population cohorts (gnomAD); In silico analysis suggests that this missense variant does not alter protein structure/function; Has not been previously published as pathogenic or benign to our knowledge

Labcorp Genetics (formerly Invitae), Labcorp
Classification: Uncertain significance for Developmental and epileptic encephalopathy, 1; Autosomal dominant nonsyndromic hearing loss 65. Last evaluated: 2025-04-10. Review status: criteria provided, single submitter. Criteria: Invitae Variant Classification Sherloc (09022015). Collection method: clinical testing. Allele origin: germline.
Comment: This sequence change replaces valine, which is neutral and non-polar, with methionine, which is neutral and non-polar, at codon 265 of the TBC1D24 protein (p.Val265Met). This variant is present in population databases (rs772768393, gnomAD 0.009%). This variant has not been reported in the literature in individuals affected with TBC1D24-related conditions. ClinVar contains an entry for this variant (Variation ID: 318615). Invitae Evidence Modeling of protein sequence and biophysical properties (such as structural, functional, and spatial information, amino acid conservation, physicochemical variation, residue mobility, and thermodynamic stability) indicates that this missense variant is not expected to disrupt TBC1D24 protein function with a negative predictive value of 95%. In summary, the available evidence is currently insufficient to determine the role of this variant in disease. Therefore, it has been classified as a Variant of Uncertain Significance.

PreventionGenetics, part of Exact Sciences
Classification: Uncertain significance for TBC1D24-related condition. Last evaluated: 2024-11-27. Review status: criteria provided, single submitter. Criteria: ACMG Guidelines, 2015. Collection method: clinical testing. Allele origin: germline.
Comment: The TBC1D24 c.793G>A variant is predicted to result in the amino acid substitution p.Val265Met. To our knowledge, this variant has not been reported in the literature. This variant is reported in 0.0085% of alleles in individuals of Latino descent in gnomAD. At this time, the clinical significance of this variant is uncertain due to the absence of conclusive functional and genetic evidence.

Blueprint Genetics
Classification: Uncertain significance. Last evaluated: 2020-03-16. Review status: criteria provided, single submitter. Criteria: ACMG Guidelines, 2015. Collection method: clinical testing. Allele origin: germline.

Illumina Laboratory Services, Illumina
Classification: Uncertain significance for Familial infantile myoclonic epilepsy. Last evaluated: 2018-01-13. Review status: criteria provided, single submitter. Criteria: ICSL Variant Classification Criteria 13 December 2019. Collection method: clinical testing. Allele origin: germline.

NM_001199107.2(TBC1D24):c.793G>A (p.Val265Met)

Gene: TBC1D24 (TBC1 domain family member 24; plus strand). Cytogenetic location: 16p13.3.
Variant type: single nucleotide variant.
Coding change: c.793G>A on transcript NM_001199107.2 (MANE Select); coding-DNA position 793, G replaced by A.
Protein change: p.Val265Met; replaces valine 265 with methionine.
Molecular consequence: missense variant.
Genome position (GRCh38, 1-based): chr16:2,496,941, G>A. VCF-style: chr16-2496941-G-A. GRCh37 (hg19) VCF-style: chr16-2546942-G-A.
Other names: c.793G>A, p.Val265Met (NM_020705.3); short protein forms V265M.
Identifiers: ClinVar variation 318615 (VCV000318615.18), dbSNP rs772768393, ClinGen allele CA7844071.